The following is an entry in ClinVar:

ClinVar aggregate classification (germline): Benign/Likely benign. Review status: criteria provided, multiple submitters, no conflicts (2 of 4 stars). 6 submissions from 6 submitters: Benign (4); Likely benign (1). 1 of the submissions does not count toward it. Last evaluated 2026-09-01.

Conditions:
Epilepsy, early-onset, vitamin B6-dependent. Also called: PLPBP Deficiency; EPILEPSY, EARLY-ONSET, 1, VITAMIN B6-DEPENDENT. Identifiers: MedGen C4310632, MONDO:0015005, OMIM 617290.
PLPBP-related disorder. Also called: PLPBP-related condition.

Allele frequency attached by ClinVar (database versions not stated): ESP Exome Variant Server 0.00246; 1000 Genomes Project 30x 0.00265; 1000 Genomes Project 0.00300; gnomAD 0.00327 and 0.00331; TOPMed 0.00388; ExAC 0.00404; gnomAD exomes 0.00440.
gnomAD v4.1: 4,878 of 1,614,116 alleles (0.3%); highest among the groups gnomAD compares: South Asian, 1.1%; 39 homozygotes.

Submissions (6):

CeGaT Center for Human Genetics Tuebingen
Classification: Benign. Last evaluated: 2026-09-01. Review status: criteria provided, single submitter. Criteria: CeGaT Center For Human Genetics Tuebingen Variant Classification Criteria Version 2. Collection method: clinical testing. Allele origin: germline. Affected: yes. Observed: 24 variant alleles.
Comment: PLPBP: BP4, BS1, BS2

Labcorp Genetics (formerly Invitae), Labcorp
Classification: Benign. Last evaluated: 2026-02-01. Review status: criteria provided, single submitter. Criteria: Invitae Variant Classification Sherloc (09022015). Collection method: clinical testing. Allele origin: germline.

Genomic Medicine Center of Excellence, King Faisal Specialist Hospital and Research Centre
Classification: Likely benign. Last evaluated: 2025-08-18. Review status: criteria provided, single submitter. Criteria: ACMG Guidelines, 2015. Collection method: clinical testing. Allele origin: germline.

ARUP Laboratories, Molecular Genetics and Genomics, ARUP Laboratories
Classification: Benign for Epilepsy, early-onset, vitamin B6-dependent. Last evaluated: 2025-04-22. Review status: criteria provided, single submitter. Criteria: ARUP Molecular Germline Variant Investigation Process 2024. Collection method: clinical testing. Allele origin: germline.

Breakthrough Genomics
Classification: Benign. Review status: criteria provided, single submitter. Criteria: ACMG Guidelines, 2015. Collection method: not provided. Allele origin: germline. Inheritance: Autosomal recessive inheritance. Affected: yes.

PreventionGenetics, part of Exact Sciences
Classification: Benign for PLPBP-related condition. Last evaluated: 2019-06-24. Review status: no assertion criteria provided. Collection method: clinical testing. Allele origin: germline. Not counted in ClinVar's aggregate classification.
Comment: This variant is classified as benign based on ACMG/AMP sequence variant interpretation guidelines (Richards et al. 2015 PMID: 25741868, with internal and published modifications).

NM_007198.4(PLPBP):c.157A>G (p.Met53Val)

Gene: PLPBP (pyridoxal phosphate binding protein; plus strand). Cytogenetic location: 8p11.23.
Variant type: single nucleotide variant.
Coding change: c.157A>G on transcript NM_007198.4 (MANE Select); coding-DNA position 157, A replaced by G.
Protein change: p.Met53Val; replaces methionine 53 with valine.
Molecular consequence: missense variant. On other transcripts: initiator codon variant (1).
Genome position (GRCh38, 1-based): chr8:37,765,583, A>G. VCF-style: chr8-37765583-A-G. GRCh37 (hg19) VCF-style: chr8-37623101-A-G.
Other names: c.1A>G (NM_001349348.1); c.157A>G, p.Met53Val (NM_001349346.2, NM_001349347.2); c.1A>G, p.Met1Val (NM_001349348.2); c.262A>G, p.Met88Val (NM_001349349.1); short protein forms M1V, M53V, M88V.
Identifiers: ClinVar variation 775263 (VCV000775263.44), dbSNP rs79148472, ClinGen allele CA4711144.